The following is an entry in ClinVar:

NM_005334.3(HCFC1):c.4545G>T (p.Pro1515=)

Gene: HCFC1 (host cell factor C1; minus strand). Cytogenetic location: Xq28.
Variant type: single nucleotide variant.
Coding change: c.4545G>T on transcript NM_005334.3 (MANE Select); coding-DNA position 4545, G replaced by T.
Protein change: p.Pro1515=; no amino-acid change (proline 1515 retained).
Molecular consequence: synonymous variant.
Genome position (GRCh38, 1-based): chrX:153,952,911, C>A on the plus strand (G>T on the coding strand, the complement: HCFC1 is on the minus strand). VCF-style: chrX-153952911-C-A. GRCh37 (hg19) VCF-style: chrX-153218362-C-A.
Other names: c.4677G>T, p.Pro1559= (NM_001410705.1).
Identifiers: ClinVar variation 3911958 (VCV003911958.2).
Genomic context (GRCh38, chrX:153,952,911, plus strand): 5'-CAGGACCTCGGCGGACTCCCCCATCAGGGCTGTGGAAGCCGACTGCAGAAGCTGCCGTGG[C>A]GGCAGCTGCTGGCGAGGACCTGGCGACACCTGGAGTTCCTCTGGGGGCTGCAGGATGTCA-3'
Protein context (NP_005325.2, residues 1505-1525): QVSPGPRQQL[Pro1515=]PRQLLQSAST

ClinVar aggregate classification (germline): Uncertain significance (1 of 4 stars; one submission).

Submission:

Women's Health and Genetics/Laboratory Corporation of America, LabCorp
Classification: Uncertain significance. Last evaluated: 2025-07-02. Review status: criteria provided, single submitter. Criteria: LabCorp Variant Classification Summary - May 2015. Collection method: clinical testing. Allele origin: germline.
Comment: Variant summary: HCFC1 c.4545G>T alters a conserved nucleotide resulting in a synonymous change. Several computational tools predict a significant impact on normal splicing: Two predict the variant creates a cryptic 3' acceptor site. However, these predictions have yet to be confirmed by functional studies. The variant was absent in 126778 control chromosomes. The available data on variant occurrences in the general population are insufficient to allow any conclusion about variant significance. To our knowledge, no occurrence of c.4545G>T in individuals affected with Methylmalonic Acidemia With Homocystinuria and no experimental evidence demonstrating its impact on protein function have been reported. No submitters have cited clinical-significance assessments for this variant to ClinVar. Based on the evidence outlined above, the variant was classified as uncertain significance.